The following is an entry in ClinVar:

NM_022455.5(NSD1):c.641C>T (p.Thr214Ile)

Gene: NSD1 (nuclear receptor binding SET domain protein 1; plus strand). Cytogenetic location: 5q35.3.
Variant type: single nucleotide variant.
Coding change: c.641C>T on transcript NM_022455.5 (MANE Select); coding-DNA position 641, C replaced by T.
Protein change: p.Thr214Ile; replaces threonine 214 with isoleucine.
Molecular consequence: missense variant. On other transcripts: intron variant (8).
Genome position (GRCh38, 1-based): chr5:177,135,744, C>T. VCF-style: chr5-177135744-C-T. GRCh37 (hg19) VCF-style: chr5-176562745-C-T.
Other names: c.641C>T, p.Thr214Ile (NM_001409301.1, NM_001409302.1, NM_001409303.1); c.418-197C>T (NM_001409304.1); c.-36-197C>T (NM_001409305.1, NM_001409306.1, NM_001409308.1 and 4 more transcripts); short protein forms T214I.
Identifiers: ClinVar variation 1424723 (VCV001424723.6), dbSNP rs1208967470, ClinGen allele CA362294945.

ClinVar aggregate classification (germline): Uncertain significance (1 of 4 stars; one submission).

Allele frequency attached by ClinVar (database versions not stated): gnomAD exomes below 0.00001.
gnomAD v4.1: 4 of 1,614,184 alleles (0.00025%); highest among the groups gnomAD compares: Non-Finnish European, 0.00034%; no homozygotes.

Submission:

Labcorp Genetics (formerly Invitae), Labcorp
Classification: Uncertain significance. Last evaluated: 2021-11-20. Review status: criteria provided, single submitter. Criteria: Invitae Variant Classification Sherloc (09022015). Collection method: clinical testing. Allele origin: germline.
Comment: In summary, the available evidence is currently insufficient to determine the role of this variant in disease. Therefore, it has been classified as a Variant of Uncertain Significance. Advanced modeling of protein sequence and biophysical properties (such as structural, functional, and spatial information, amino acid conservation, physicochemical variation, residue mobility, and thermodynamic stability) performed at Invitae indicates that this missense variant is not expected to disrupt NSD1 protein function. This variant has not been reported in the literature in individuals affected with NSD1-related conditions. This variant is present in population databases (no rsID available, gnomAD 0.0009%). This sequence change replaces threonine, which is neutral and polar, with isoleucine, which is neutral and non-polar, at codon 214 of the NSD1 protein (p.Thr214Ile).